The following is an entry in ClinVar:

NM_017612.5(ZCCHC8):c.1994A>G (p.Lys665Arg)

Gene: ZCCHC8 (zinc finger CCHC-type containing 8; minus strand). Cytogenetic location: 12q24.31.
Variant type: single nucleotide variant.
Coding change: c.1994A>G on transcript NM_017612.5 (MANE Select); coding-DNA position 1994, A replaced by G.
Protein change: p.Lys665Arg; replaces lysine 665 with arginine.
Molecular consequence: missense variant.
Genome position (GRCh38, 1-based): chr12:122,473,627, T>C on the plus strand (A>G on the coding strand, the complement: ZCCHC8 is on the minus strand). VCF-style: chr12-122473627-T-C. GRCh37 (hg19) VCF-style: chr12-122958174-T-C.
Other names: c.1763A>G, p.Lys588Arg (NM_001350935.2); c.1697A>G, p.Lys566Arg (NM_001350936.2); c.1280A>G, p.Lys427Arg (NM_001350937.2, NM_001350938.2); short protein forms K427R, K566R, K588R, K665R.
Identifiers: ClinVar variation 2630752 (VCV002630752.1), dbSNP rs746480366, ClinGen allele CA6846057.

ClinVar aggregate classification (germline): Uncertain significance (1 of 4 stars; one submission).

Conditions:
ZCCHC8-related disorder. Also called: ZCCHC8-related condition.

Allele frequency attached by ClinVar (database versions not stated): ExAC 0.00001; gnomAD exomes 0.00001.

Submission:

PreventionGenetics, part of Exact Sciences
Classification: Uncertain significance for ZCCHC8-related condition. Last evaluated: 2023-09-15. Review status: criteria provided, single submitter. Criteria: ACMG Guidelines, 2015. Collection method: clinical testing. Allele origin: germline.
Comment: The ZCCHC8 c.1994A>G variant is predicted to result in the amino acid substitution p.Lys665Arg. To our knowledge, this variant has not been reported in the literature. This variant is reported in 0.0056% of alleles in individuals of East Asian descent in gnomAD. At this time, the clinical significance of this variant is uncertain due to the absence of conclusive functional and genetic evidence.